The following is an entry in ClinVar:

NM_001849.4(COL6A2):c.1550A>C (p.Tyr517Ser)

Gene: COL6A2 (collagen type VI alpha 2 chain; plus strand). Cytogenetic location: 21q22.3.
Variant type: single nucleotide variant.
Coding change: c.1550A>C on transcript NM_001849.4 (MANE Select); coding-DNA position 1550, A replaced by C.
Protein change: p.Tyr517Ser; replaces tyrosine 517 with serine.
Molecular consequence: missense variant.
Genome position (GRCh38, 1-based): chr21:46,122,136, A>C. VCF-style: chr21-46122136-A-C. GRCh37 (hg19) VCF-style: chr21-47542050-A-C.
Other names: c.1550A>C, p.Tyr517Ser (NM_058174.3, NM_058175.3); c.1550A>C (NM_001849.3); short protein forms Y517S.
Identifiers: ClinVar variation 286273 (VCV000286273.14), dbSNP rs780177226, ClinGen allele CA10071971.

ClinVar aggregate classification (germline): Uncertain significance. Review status: criteria provided, multiple submitters, no conflicts (2 of 4 stars). 4 submissions from 4 submitters: Uncertain significance (4). Last evaluated 2025-10-21.

Conditions:
Inborn genetic diseases. Identifiers: MedGen C0950123, MeSH D030342.
Bethlem myopathy 1A. Also called: Bethlem Muscular Dystrophy; MYOPATHY, BENIGN CONGENITAL, WITH CONTRACTURES; Bethlem myopathy 1. Identifiers: Orphanet 610, MedGen CN029274, MONDO:0024530, OMIM 158810.

Allele frequency attached by ClinVar (database versions not stated): gnomAD 0.00001; TOPMed 0.00001; gnomAD exomes 0.00002; ExAC 0.00004.
gnomAD v4.1: 15 of 1,612,582 alleles (0.00093%); highest among the groups gnomAD compares: Non-Finnish European, 0.0013%; no homozygotes.

Submissions (4):

Labcorp Genetics (formerly Invitae), Labcorp
Classification: Uncertain significance for Bethlem myopathy 1A. Last evaluated: 2025-10-21. Review status: criteria provided, single submitter. Criteria: Invitae Variant Classification Sherloc (09022015). Collection method: clinical testing. Allele origin: germline.
Comment: This sequence change replaces tyrosine, which is neutral and polar, with serine, which is neutral and polar, at codon 517 of the COL6A2 protein (p.Tyr517Ser). This variant is present in population databases (rs780177226, gnomAD 0.005%). This variant has not been reported in the literature in individuals affected with COL6A2-related conditions. ClinVar contains an entry for this variant (Variation ID: 286273). Invitae Evidence Modeling of protein sequence and biophysical properties (such as structural, functional, and spatial information, amino acid conservation, physicochemical variation, residue mobility, and thermodynamic stability) indicates that this missense variant is not expected to disrupt COL6A2 protein function with a negative predictive value of 80%. In summary, the available evidence is currently insufficient to determine the role of this variant in disease. Therefore, it has been classified as a Variant of Uncertain Significance.

Ambry Genetics
Classification: Uncertain significance for Inborn genetic diseases. Last evaluated: 2025-01-19. Review status: criteria provided, single submitter. Criteria: Ambry Variant Classification Scheme 2023. Collection method: clinical testing. Allele origin: germline.

Revvity Omics, Revvity
Classification: Uncertain significance. Last evaluated: 2023-10-09. Review status: criteria provided, single submitter. Criteria: ACMG Guidelines, 2015. Collection method: clinical testing. Allele origin: germline.

Eurofins Ntd Llc (ga)
Classification: Uncertain significance. Last evaluated: 2016-02-16. Review status: criteria provided, single submitter. Criteria: EGL Classification Definitions 2015. Collection method: clinical testing. Allele origin: germline. Observed: 1 variant allele, 1 heterozygote.